The following is an entry in ClinVar:

ClinVar aggregate classification (germline): Uncertain significance. Review status: criteria provided, multiple submitters, no conflicts (2 of 4 stars). 6 submissions from 6 submitters: Uncertain significance (6). Last evaluated 2026-09-01.

Conditions:
RYR1-related disorder. Also called: RYR1-related disorders; RYR1-related condition. Identifiers: MedGen CN239331.
Inborn genetic diseases. Identifiers: MedGen C0950123, MeSH D030342.
Malignant hyperthermia, susceptibility to, 1 (MHS1). Also called: Anesthesia related hyperthermia; Malignant hyperpyrexia; Fulminating hyperpyrexia; Pharmacogenic myopathy; Malignant hyperthermia suceptibility 1; RYR1-Related Malignant Hyperthermia Susceptibility. Identifiers: Orphanet 423, MedGen C2930980, MONDO:0007783, OMIM 145600.

Allele frequency attached by ClinVar (database versions not stated): gnomAD exomes 0.00001; ExAC 0.00002; TOPMed 0.00005; ESP Exome Variant Server 0.00008.
gnomAD v4.1: 7 of 1,603,030 alleles (0.00044%); highest among the groups gnomAD compares: South Asian, 0.0033%; no homozygotes.

Submissions (6):

CeGaT Center for Human Genetics Tuebingen
Classification: Uncertain significance. Last evaluated: 2026-09-01. Review status: criteria provided, single submitter. Criteria: CeGaT Center For Human Genetics Tuebingen Variant Classification Criteria Version 2. Collection method: clinical testing. Allele origin: germline. Affected: yes. Observed: 1 variant allele.
Comment: RYR1: PM2

Labcorp Genetics (formerly Invitae), Labcorp
Classification: Uncertain significance for RYR1-related disorder. Last evaluated: 2025-09-09. Review status: criteria provided, single submitter. Criteria: Invitae Variant Classification Sherloc (09022015). Collection method: clinical testing. Allele origin: germline.
Comment: This sequence change replaces alanine, which is neutral and non-polar, with valine, which is neutral and non-polar, at codon 2391 of the RYR1 protein (p.Ala2391Val). The frequency data for this variant in the population databases is considered unreliable, as metrics indicate poor data quality at this position in the gnomAD database. This variant has not been reported in the literature in individuals affected with RYR1-related conditions. ClinVar contains an entry for this variant (Variation ID: 478269). Invitae Evidence Modeling of protein sequence and biophysical properties (such as structural, functional, and spatial information, amino acid conservation, physicochemical variation, residue mobility, and thermodynamic stability) indicates that this missense variant is not expected to disrupt RYR1 protein function with a negative predictive value of 80%. In summary, the available evidence is currently insufficient to determine the role of this variant in disease. Therefore, it has been classified as a Variant of Uncertain Significance.

Ambry Genetics
Classification: Uncertain significance for Inborn genetic diseases. Last evaluated: 2025-01-18. Review status: criteria provided, single submitter. Criteria: Ambry Variant Classification Scheme 2023. Collection method: clinical testing. Allele origin: germline.

All of Us Research Program, National Institutes of Health
Classification: Uncertain significance for Malignant hyperthermia, susceptibility to, 1. Last evaluated: 2023-10-02. Review status: criteria provided, single submitter. Criteria: ACMG Guidelines, 2015. Collection method: clinical testing. Allele origin: germline. Inheritance: Autosomal dominant inheritance. Observed: 3 variant alleles, 3 heterozygotes.
Comment: This missense variant replaces alanine with valine at codon 2391 of the RYR1 protein. Computational prediction is inconclusive regarding the impact of this variant on protein structure and function (internally defined REVEL score threshold 0.5 < inconclusive < 0.7, PMID: 27666373). To our knowledge, functional studies have not been reported for this variant. This variant has not been reported in individuals affected with RYR1-related disorders in the literature. This variant has been identified in 2/235130 chromosomes in the general population by the Genome Aggregation Database (gnomAD). The available evidence is insufficient to determine the role of this variant in disease conclusively. Therefore, this variant is classified as a Variant of Uncertain Significance.

This study involves interpretation of variants in research participants for the purpose of population health screening. Participant phenotype was not available at the time of variant classification. Additional details can be found in publication PMID: 35346344, PMCID: PMC8962531

Revvity Omics, Revvity
Classification: Uncertain significance. Last evaluated: 2020-04-03. Review status: criteria provided, single submitter. Criteria: ACMG Guidelines, 2015. Collection method: clinical testing. Allele origin: germline.

Breakthrough Genomics
Classification: Uncertain significance. Review status: criteria provided, single submitter. Criteria: ACMG Guidelines, 2015. Collection method: not provided. Allele origin: germline. Inheritance: Autosomal dominant inheritance. Affected: yes.

NM_000540.3(RYR1):c.7172C>T (p.Ala2391Val)

Gene: RYR1 (ryanodine receptor 1; plus strand). Cytogenetic location: 19q13.2.
Variant type: single nucleotide variant.
Coding change: c.7172C>T on transcript NM_000540.3 (MANE Select); coding-DNA position 7172, C replaced by T.
Protein change: p.Ala2391Val; replaces alanine 2391 with valine.
Molecular consequence: missense variant.
Genome position (GRCh38, 1-based): chr19:38,499,779, C>T. VCF-style: chr19-38499779-C-T. GRCh37 (hg19) VCF-style: chr19-38990419-C-T.
Other names: c.7172C>T, p.Ala2391Val (NM_001042723.2); short protein forms A2391V.
Identifiers: ClinVar variation 478269 (VCV000478269.13), dbSNP rs373264653, ClinGen allele CA069207.